The following is an entry in ClinVar:

NM_002029.4(FPR1):c.67C>G (p.Leu23Val)

Gene: FPR1 (formyl peptide receptor 1; minus strand). Cytogenetic location: 19q13.41.
Variant type: single nucleotide variant.
Coding change: c.67C>G on transcript NM_002029.4 (MANE Select); coding-DNA position 67, C replaced by G.
Protein change: p.Leu23Val; replaces leucine 23 with valine.
Molecular consequence: missense variant.
Genome position (GRCh38, 1-based): chr19:51,746,928, G>C on the plus strand (C>G on the coding strand, the complement: FPR1 is on the minus strand). VCF-style: chr19-51746928-G-C. GRCh37 (hg19) VCF-style: chr19-52250181-G-C.
Other names: c.67C>G, p.Leu23Val (NM_001193306.2); short protein forms L23V.
Identifiers: ClinVar variation 4777716 (VCV004777716.1).

ClinVar aggregate classification (germline): Uncertain significance (1 of 4 stars; one submission).

Conditions:
Gingival disorder. Also called: Gingival disease. Identifiers: MedGen C0017563, MONDO:0002021.

Submission:

Labcorp Genetics (formerly Invitae), Labcorp
Classification: Uncertain significance for Gingival disorder. Last evaluated: 2025-06-03. Review status: criteria provided, single submitter. Criteria: Invitae Variant Classification Sherloc (09022015). Collection method: clinical testing. Allele origin: germline.
Comment: This sequence change replaces leucine, which is neutral and non-polar, with valine, which is neutral and non-polar, at codon 23 of the FPR1 protein (p.Leu23Val). This variant is not present in population databases (gnomAD no frequency). This variant has not been reported in the literature in individuals affected with FPR1-related conditions. An algorithm developed to predict the effect of missense changes on protein structure and function outputs the following: PolyPhen-2: "Benign". The valine amino acid residue is found in multiple mammalian species, which suggests that this missense change does not adversely affect protein function. In summary, the available evidence is currently insufficient to determine the role of this variant in disease. Therefore, it has been classified as a Variant of Uncertain Significance.